The following is an entry in ClinVar:

ClinVar aggregate classification (germline): Uncertain significance (1 of 4 stars; one submission).

Conditions:
Inborn genetic diseases. Identifiers: MedGen C0950123, MeSH D030342.

Allele frequency attached by ClinVar (database versions not stated): gnomAD exomes below 0.00001.
gnomAD v4.1: 1 of 1,612,838 alleles (0.000062%); highest among the groups gnomAD compares: Non-Finnish European, 0.000085%; no homozygotes.

Submission:

Ambry Genetics
Classification: Uncertain significance for Inborn genetic diseases. Last evaluated: 2023-12-22. Review status: criteria provided, single submitter. Criteria: Ambry Variant Classification Scheme 2023. Collection method: clinical testing. Allele origin: germline.
Comment: The p.T2340K variant (also known as c.7019C>A), located in coding exon 47 of the LRRK2 gene, results from a C to A substitution at nucleotide position 7019. The threonine at codon 2340 is replaced by lysine, an amino acid with similar properties. This amino acid position is conserved. In addition, this alteration is predicted to be tolerated by in silico analysis. Since supporting evidence is limited at this time, the clinical significance of this alteration remains unclear.

NM_198578.4(LRRK2):c.7019C>A (p.Thr2340Lys)

Gene: LRRK2 (leucine rich repeat kinase 2; plus strand). Cytogenetic location: 12q12.
Variant type: single nucleotide variant.
Coding change: c.7019C>A on transcript NM_198578.4 (MANE Select); coding-DNA position 7019, C replaced by A.
Protein change: p.Thr2340Lys; replaces threonine 2340 with lysine.
Molecular consequence: missense variant.
Genome position (GRCh38, 1-based): chr12:40,359,435, C>A. VCF-style: chr12-40359435-C-A. GRCh37 (hg19) VCF-style: chr12-40753237-C-A.
Other names: short protein forms T2340K.
Identifiers: ClinVar variation 3229767 (VCV003229767.1), dbSNP rs2500012634, ClinGen allele CA384412164.